The following is an entry in ClinVar:

ClinVar aggregate classification (germline): Uncertain significance. Review status: criteria provided, multiple submitters, no conflicts (2 of 4 stars). 3 submissions from 3 submitters: Uncertain significance (3). Last evaluated 2025-11-12.

Conditions:
Mitochondrial complex 2 deficiency, nuclear type 3. Also called: MITOCHONDRIAL COMPLEX II DEFICIENCY, NUCLEAR TYPE 3. Identifiers: MedGen C5436934, MONDO:0030937, OMIM 619167.
Hereditary cancer-predisposing syndrome. Also called: Neoplastic Syndromes, Hereditary; Tumor predisposition; Hereditary neoplastic syndrome; Hereditary Cancer Syndrome. Identifiers: Orphanet 140162, MedGen C0027672, MeSH D009386, MONDO:0015356.
Pheochromocytoma. Also called: MAX-Related Hereditary Paraganglioma-Pheochromocytoma Syndrome. Identifiers: Orphanet 29072, MedGen C0031511, MONDO:0008233, OMIM 171300, HP:0002666.
Paragangliomas with sensorineural hearing loss. Identifiers: MedGen C1868633.
Carney-Stratakis syndrome. Also called: PARAGANGLIOMA AND GASTROINTESTINAL STROMAL TUMOR. Identifiers: Orphanet 97286, MedGen C1847319, MONDO:0011740, OMIM 606864.
Cowden syndrome 3 (CWS3). Identifiers: Orphanet 201, MedGen CN166604, MONDO:0014045.

Allele frequency attached by ClinVar (database versions not stated): gnomAD exomes below 0.00001.

Submissions (3):

Ambry Genetics
Classification: Uncertain significance for Hereditary cancer-predisposing syndrome. Last evaluated: 2025-11-12. Review status: criteria provided, single submitter. Criteria: Ambry Variant Classification Scheme 2023. Collection method: clinical testing. Allele origin: germline.
Comment: The p.V111A variant (also known as c.332T>C), located in coding exon 4 of the SDHD gene, results from a T to C substitution at nucleotide position 332. The valine at codon 111 is replaced by alanine, an amino acid with similar properties. This amino acid position is not well conserved in available vertebrate species. In addition, this alteration is predicted to be deleterious by in silico analysis. Since supporting evidence is limited at this time, the clinical significance of this alteration remains unclear.

Labcorp Genetics (formerly Invitae), Labcorp
Classification: Uncertain significance for Carney-Stratakis syndrome; Paragangliomas with sensorineural hearing loss; Pheochromocytoma; Cowden syndrome 3. Last evaluated: 2025-05-07. Review status: criteria provided, single submitter. Criteria: Invitae Variant Classification Sherloc (09022015). Collection method: clinical testing. Allele origin: germline.
Comment: This sequence change replaces valine, which is neutral and non-polar, with alanine, which is neutral and non-polar, at codon 111 of the SDHD protein (p.Val111Ala). This variant is not present in population databases (gnomAD no frequency). This variant has not been reported in the literature in individuals affected with SDHD-related conditions. ClinVar contains an entry for this variant (Variation ID: 823613). Invitae Evidence Modeling of protein sequence and biophysical properties (such as structural, functional, and spatial information, amino acid conservation, physicochemical variation, residue mobility, and thermodynamic stability) has been performed for this missense variant. However, the output from this modeling did not meet the statistical confidence thresholds required to predict the impact of this variant on SDHD protein function. In summary, the available evidence is currently insufficient to determine the role of this variant in disease. Therefore, it has been classified as a Variant of Uncertain Significance.

Baylor Genetics
Classification: Uncertain significance for Mitochondrial complex 2 deficiency, nuclear type 3. Last evaluated: 2024-02-18. Review status: criteria provided, single submitter. Criteria: ACMG Guidelines, 2015. Collection method: clinical testing. Allele origin: unknown.

NM_003002.4(SDHD):c.332T>C (p.Val111Ala)

Gene: SDHD (succinate dehydrogenase complex subunit D; plus strand). Cytogenetic location: 11q23.1.
Variant type: single nucleotide variant.
Coding change: c.332T>C on transcript NM_003002.4 (MANE Select); coding-DNA position 332, T replaced by C.
Protein change: p.Val111Ala; replaces valine 111 with alanine.
Molecular consequence: missense variant. On other transcripts: synonymous variant (1), 3 prime UTR variant (1), non-coding transcript variant (1).
Genome position (GRCh38, 1-based): chr11:112,094,822, T>C. VCF-style: chr11-112094822-T-C. GRCh37 (hg19) VCF-style: chr11-111965546-T-C.
Other names: c.187T>C, p.Leu63= (NM_001276503.2); c.215T>C, p.Val72Ala (NM_001276504.2); c.*30T>C (NM_001276506.2); short protein forms V72A, V111A.
Identifiers: ClinVar variation 823613 (VCV000823613.18), dbSNP rs1592786183, ClinGen allele CA382618810.